The following is an entry in ClinVar:

ClinVar aggregate classification (germline): Uncertain significance. Review status: criteria provided, single submitter (1 of 4 stars). 2 submissions from 2 submitters: Uncertain significance (1). 1 of the submissions does not count toward it. Last evaluated 2025-04-08.

Conditions:
DYRK1B-related disorder. Also called: DYRK1B-related condition.
Inborn genetic diseases. Identifiers: MedGen C0950123, MeSH D030342.

gnomAD v4.1: 17 of 1,593,236 alleles (0.0011%); highest among the groups gnomAD compares: Admixed American, 0.027%; no homozygotes.

Submissions (2):

Ambry Genetics
Classification: Uncertain significance for Inborn genetic diseases. Last evaluated: 2025-04-08. Review status: criteria provided, single submitter. Criteria: Ambry Variant Classification Scheme 2023. Collection method: clinical testing. Allele origin: germline.

PreventionGenetics, part of Exact Sciences
Classification: Uncertain significance for DYRK1B-related condition. Last evaluated: 2024-06-17. Review status: no assertion criteria provided. Collection method: clinical testing. Allele origin: germline. Not counted in ClinVar's aggregate classification.
Comment: The DYRK1B c.1438A>G variant is predicted to result in the amino acid substitution p.Asn480Asp. To our knowledge, this variant has not been reported in the literature. This variant is reported in 0.013% of alleles in individuals of Latino descent in gnomAD. At this time, the clinical significance of this variant is uncertain due to the absence of conclusive functional and genetic evidence.

NM_004714.3(DYRK1B):c.1438A>G (p.Asn480Asp)

Gene: DYRK1B (dual specificity tyrosine phosphorylation regulated kinase 1B; minus strand). Cytogenetic location: 19q13.2.
Variant type: single nucleotide variant.
Coding change: c.1438A>G on transcript NM_004714.3 (MANE Select); coding-DNA position 1438, A replaced by G.
Protein change: p.Asn480Asp; replaces asparagine 480 with aspartic acid.
Molecular consequence: missense variant.
Genome position (GRCh38, 1-based): chr19:39,826,260, T>C on the plus strand (A>G on the coding strand, the complement: DYRK1B is on the minus strand). VCF-style: chr19-39826260-T-C. GRCh37 (hg19) VCF-style: chr19-40316900-T-C.
Other names: c.1318A>G, p.Asn440Asp (NM_006483.3); c.1354A>G, p.Asn452Asp (NM_006484.3); c.1438A>G (NM_004714.1); short protein forms N440D, N452D, N480D.
Identifiers: ClinVar variation 3358231 (VCV003358231.2).